The following is an entry in ClinVar:

ClinVar aggregate classification (germline): Uncertain significance (1 of 4 stars; one submission).

Submission:

GeneDx
Classification: Uncertain significance. Last evaluated: 2022-05-27. Review status: criteria provided, single submitter. Criteria: GeneDx Variant Classification Process June 2021. Collection method: clinical testing. Allele origin: germline. Affected: yes.
Comment: Not observed at significant frequency in large population cohorts (gnomAD); In silico analysis supports a deleterious effect on splicing; Has not been previously published as pathogenic or benign to our knowledge

NM_001349338.3(FOXP1):c.869+3A>G

Gene: FOXP1 (forkhead box P1; minus strand). Cytogenetic location: 3p13.
Variant type: single nucleotide variant.
Coding change: c.869+3A>G on transcript NM_001349338.3 (MANE Select); 3 bases into the intron after coding-DNA position 869, A replaced by G.
Molecular consequence: intron variant.
Genome position (GRCh38, 1-based): chr3:71,041,325, T>C on the plus strand (A>G on the coding strand, the complement: FOXP1 is on the minus strand). VCF-style: chr3-71041325-T-C. GRCh37 (hg19) VCF-style: chr3-71090476-T-C.
Other names: c.869+3A>G (NM_001244810.2, NM_032682.6, NM_001349340.3 and 3 more transcripts); c.866+3A>G (NM_001349341.3); c.641+3A>G (NM_001244812.3); c.566+3A>G (NM_001349343.3, NM_001349337.2, NM_001349344.3); c.569+3A>G (NM_001349342.3, NM_001370548.1, NM_001244815.2 and 1 more transcripts).
Identifiers: ClinVar variation 1801167 (VCV001801167.1), dbSNP rs2545769276, ClinGen allele CA2580070416.